The following is an entry in ClinVar:

NM_002184.4(IL6ST):c.2513C>T (p.Ser838Leu)

Gene: IL6ST (interleukin 6 cytokine family signal transducer; minus strand). Cytogenetic location: 5q11.2.
Variant type: single nucleotide variant.
Coding change: c.2513C>T on transcript NM_002184.4 (MANE Select); coding-DNA position 2513, C replaced by T.
Protein change: p.Ser838Leu; replaces serine 838 with leucine.
Molecular consequence: missense variant. On other transcripts: 3 prime UTR variant (1), non-coding transcript variant (2).
Genome position (GRCh38, 1-based): chr5:55,941,326, G>A on the plus strand (C>T on the coding strand, the complement: IL6ST is on the minus strand). VCF-style: chr5-55941326-G-A. GRCh37 (hg19) VCF-style: chr5-55237154-G-A.
Other names: c.2330C>T, p.Ser777Leu (NM_001190981.2); c.2411C>T, p.Ser804Leu (NM_001364275.2); c.2303C>T, p.Ser768Leu (NM_001364276.2); c.1646C>T, p.Ser549Leu (NM_001364277.2); c.1610C>T, p.Ser537Leu (NM_001364278.2); c.1517C>T, p.Ser506Leu (NM_001364279.2); c.*1440C>T (NM_175767.3); short protein forms S506L, S777L, S838L, S549L, S768L, S537L, S804L.
Identifiers: ClinVar variation 2772110 (VCV002772110.3), dbSNP rs1457079460, ClinGen allele CA359777921.

ClinVar aggregate classification (germline): Uncertain significance (1 of 4 stars; one submission).

Allele frequency attached by ClinVar (database versions not stated): gnomAD exomes below 0.00001.
gnomAD v4.1: 1 of 1,614,088 alleles (0.000062%); highest among the groups gnomAD compares: South Asian, 0.0011%; no homozygotes.

Submission:

Labcorp Genetics (formerly Invitae), Labcorp
Classification: Uncertain significance. Last evaluated: 2023-10-27. Review status: criteria provided, single submitter. Criteria: Invitae Variant Classification Sherloc (09022015). Collection method: clinical testing. Allele origin: germline.
Comment: This sequence change replaces serine, which is neutral and polar, with leucine, which is neutral and non-polar, at codon 838 of the IL6ST protein (p.Ser838Leu). This variant is present in population databases (no rsID available, gnomAD 0.003%). This variant has not been reported in the literature in individuals affected with IL6ST-related conditions. Algorithms developed to predict the effect of missense changes on protein structure and function output the following: SIFT: "Not Available"; PolyPhen-2: "Benign"; Align-GVGD: "Not Available". The leucine amino acid residue is found in multiple mammalian species, which suggests that this missense change does not adversely affect protein function. In summary, the available evidence is currently insufficient to determine the role of this variant in disease. Therefore, it has been classified as a Variant of Uncertain Significance.